The following is an entry in ClinVar:

ClinVar aggregate classification (germline): Uncertain significance. Review status: criteria provided, multiple submitters, no conflicts (2 of 4 stars). 2 submissions from 2 submitters: Uncertain significance (2). Last evaluated 2024-09-16.

Submissions (2):

Labcorp Genetics (formerly Invitae), Labcorp
Classification: Uncertain significance. Last evaluated: 2024-09-16. Review status: criteria provided, single submitter. Criteria: Invitae Variant Classification Sherloc (09022015). Collection method: clinical testing. Allele origin: germline.
Comment: This sequence change replaces glutamine, which is neutral and polar, with arginine, which is basic and polar, at codon 1250 of the COL2A1 protein (p.Gln1250Arg). This variant is not present in population databases (gnomAD no frequency). This variant has not been reported in the literature in individuals affected with COL2A1-related conditions. Invitae Evidence Modeling of protein sequence and biophysical properties (such as structural, functional, and spatial information, amino acid conservation, physicochemical variation, residue mobility, and thermodynamic stability) indicates that this missense variant is not expected to disrupt COL2A1 protein function with a negative predictive value of 95%. In summary, the available evidence is currently insufficient to determine the role of this variant in disease. Therefore, it has been classified as a Variant of Uncertain Significance.

Blueprint Genetics
Classification: Uncertain significance. Last evaluated: 2024-08-22. Review status: criteria provided, single submitter. Criteria: ACMG Guidelines, 2015. Collection method: clinical testing. Allele origin: germline.

NM_001844.5(COL2A1):c.3749A>G (p.Gln1250Arg)

Gene: COL2A1 (collagen type II alpha 1 chain; minus strand). Cytogenetic location: 12q13.11.
Variant type: single nucleotide variant.
Coding change: c.3749A>G on transcript NM_001844.5 (MANE Select); coding-DNA position 3749, A replaced by G.
Protein change: p.Gln1250Arg; replaces glutamine 1250 with arginine.
Molecular consequence: missense variant.
Genome position (GRCh38, 1-based): chr12:47,975,454, T>C on the plus strand (A>G on the coding strand, the complement: COL2A1 is on the minus strand). VCF-style: chr12-47975454-T-C. GRCh37 (hg19) VCF-style: chr12-48369237-T-C.
Other names: c.3542A>G, p.Gln1181Arg (NM_033150.3); short protein forms Q1181R, Q1250R.
Identifiers: ClinVar variation 3614490 (VCV003614490.3).